The following is an entry in ClinVar:

NM_001378030.1(CCDC78):c.623T>C (p.Leu208Pro)

Gene: CCDC78 (coiled-coil domain containing 78; minus strand). Cytogenetic location: 16p13.3.
Variant type: single nucleotide variant.
Coding change: c.623T>C on transcript NM_001378030.1 (MANE Select); coding-DNA position 623, T replaced by C.
Protein change: p.Leu208Pro; replaces leucine 208 with proline.
Molecular consequence: missense variant. On other transcripts: non-coding transcript variant (5), intron variant (1).
Genome position (GRCh38, 1-based): chr16:724,927, A>G on the plus strand (T>C on the coding strand, the complement: CCDC78 is on the minus strand). VCF-style: chr16-724927-A-G. GRCh37 (hg19) VCF-style: chr16-774927-A-G.
Other names: c.623T>C, p.Leu208Pro (NM_001031737.3, NM_001378031.1); c.198+151T>C (NM_001378033.1); short protein forms L208P.
Identifiers: ClinVar variation 4769093 (VCV004769093.1).

ClinVar aggregate classification (germline): Uncertain significance (1 of 4 stars; one submission).

Conditions:
Congenital myopathy with internal nuclei and atypical cores. Also called: Myopathy, centronuclear, 4. Identifiers: Orphanet 319160, MedGen C4707232, MONDO:0013890, OMIM 614807.

Submission:

Labcorp Genetics (formerly Invitae), Labcorp
Classification: Uncertain significance for Congenital myopathy with internal nuclei and atypical cores. Last evaluated: 2025-09-21. Review status: criteria provided, single submitter. Criteria: Invitae Variant Classification Sherloc (09022015). Collection method: clinical testing. Allele origin: germline.
Comment: This sequence change replaces leucine, which is neutral and non-polar, with proline, which is neutral and non-polar, at codon 208 of the CCDC78 protein (p.Leu208Pro). This variant is not present in population databases (gnomAD no frequency). This variant has not been reported in the literature in individuals affected with CCDC78-related conditions. Invitae Evidence Modeling of protein sequence and biophysical properties (such as structural, functional, and spatial information, amino acid conservation, physicochemical variation, residue mobility, and thermodynamic stability) has been performed for this missense variant. However, the output from this modeling did not meet the statistical confidence thresholds required to predict the impact of this variant on CCDC78 protein function. In summary, the available evidence is currently insufficient to determine the role of this variant in disease. Therefore, it has been classified as a Variant of Uncertain Significance.